The following is an entry in ClinVar:

NM_000257.4(MYH7):c.857T>G (p.Phe286Cys)

Gene: MYH7 (myosin heavy chain 7; minus strand). Cytogenetic location: 14q11.2.
Variant type: single nucleotide variant.
Coding change: c.857T>G on transcript NM_000257.4 (MANE Select); coding-DNA position 857, T replaced by G.
Protein change: p.Phe286Cys; replaces phenylalanine 286 with cysteine.
Molecular consequence: missense variant.
Genome position (GRCh38, 1-based): chr14:23,430,939, A>C on the plus strand (T>G on the coding strand, the complement: MYH7 is on the minus strand). VCF-style: chr14-23430939-A-C. GRCh37 (hg19) VCF-style: chr14-23900148-A-C.
Other names: short protein forms F286C.
Identifiers: ClinVar variation 1035719 (VCV001035719.8), dbSNP rs1892909255, ClinGen allele CA389051891.
Genomic context (GRCh38, chr14:23,430,939, plus strand): 5'-TCAGTCGGTGGCTCTGACTCACCCAGCAGCTCAGGCTTTTTGTTAGACAGGATTTGGTAG[A>C]AAATGTGATAATCTCTCTCTGCTTTCAGCTGGAAAATAACTCTGGATTTTTCCAGAAGAT-3'
Protein context (NP_000248.2, residues 276-296): QLKAERDYHI[Phe286Cys]YQILSNKKPE

ClinVar aggregate classification (germline): Uncertain significance (1 of 4 stars; one submission).

Conditions:
Hypertrophic cardiomyopathy. Also called: HYPERTROPHIC MYOCARDIOPATHY. Identifiers: Orphanet 217569, MedGen C0007194, MeSH D002312, MONDO:0005045, HP:0001639.

Submission:

Labcorp Genetics (formerly Invitae), Labcorp
Classification: Uncertain significance for Hypertrophic cardiomyopathy. Last evaluated: 2020-10-04. Review status: criteria provided, single submitter. Criteria: Invitae Variant Classification Sherloc (09022015). Collection method: clinical testing. Allele origin: germline.
Comment: This sequence change replaces phenylalanine with cysteine at codon 286 of the MYH7 protein (p.Phe286Cys). The phenylalanine residue is highly conserved and there is a large physicochemical difference between phenylalanine and cysteine. This variant is not present in population databases (ExAC no frequency). This variant has not been reported in the literature in individuals with MYH7-related conditions. Algorithms developed to predict the effect of missense changes on protein structure and function are either unavailable or do not agree on the potential impact of this missense change (SIFT: "Deleterious"; PolyPhen-2: "Probably Damaging"; Align-GVGD: "Class C0"). This variant is found within a region of MYH7 between codons 181 and 937 that contains the majority of the myosin head domain. Missense variants in this region have been shown to be significantly overrepresented in individuals with hypertrophic cardiomyopathy (PMID: 27532257). In summary, the available evidence is currently insufficient to determine the role of this variant in disease. Therefore, it has been classified as a Variant of Uncertain Significance.

Literature cited by the submitters: PubMed 27532257.